The following is an entry in ClinVar:

ClinVar aggregate classification (germline): Uncertain significance (1 of 4 stars; one submission).

Conditions:
Amyotrophic lateral sclerosis type 4 (ALS4). Also called: AMYOTROPHIC LATERAL SCLEROSIS 4, JUVENILE; NEURONOPATHY, DISTAL HEREDITARY MOTOR, WITH PYRAMIDAL FEATURES. Identifiers: Orphanet 357043, MedGen C1865409, MONDO:0011223, OMIM 602433.
Spinocerebellar ataxia, autosomal recessive, with axonal neuropathy 2 (SCAN2). Also called: ATAXIA-OCULOMOTOR APRAXIA 2; Ataxia with Oculomotor Apraxia Type 2; Ataxia-ocular apraxia-2; Ataxia with Oculomotor Apraxia. Identifiers: Orphanet 64753, MedGen C1853761, MONDO:0018996, OMIM 606002.

gnomAD v4.1: 16 of 1,613,614 alleles (0.00099%); highest among the groups gnomAD compares: Non-Finnish European, 0.0011%; no homozygotes.

Submission:

Labcorp Genetics (formerly Invitae), Labcorp
Classification: Uncertain significance for Amyotrophic lateral sclerosis type 4; Spinocerebellar ataxia, autosomal recessive, with axonal neuropathy 2. Last evaluated: 2026-01-21. Review status: criteria provided, single submitter. Criteria: Invitae Variant Classification Sherloc (09022015). Collection method: clinical testing. Allele origin: germline.
Comment: This sequence change replaces isoleucine, which is neutral and non-polar, with leucine, which is neutral and non-polar, at codon 1830 of the SETX protein (p.Ile1830Leu). This variant is not present in population databases (gnomAD no frequency). This variant has not been reported in the literature in individuals affected with SETX-related conditions. ClinVar contains an entry for this variant (Variation ID: 2923883). Invitae Evidence Modeling of protein sequence and biophysical properties (such as structural, functional, and spatial information, amino acid conservation, physicochemical variation, residue mobility, and thermodynamic stability) indicates that this missense variant is not expected to disrupt SETX protein function with a negative predictive value of 95%. In summary, the available evidence is currently insufficient to determine the role of this variant in disease. Therefore, it has been classified as a Variant of Uncertain Significance.

NM_015046.7(SETX):c.5488A>C (p.Ile1830Leu)

Gene: SETX (senataxin; minus strand). Cytogenetic location: 9q34.13.
Variant type: single nucleotide variant.
Coding change: c.5488A>C on transcript NM_015046.7 (MANE Select); coding-DNA position 5488, A replaced by C.
Protein change: p.Ile1830Leu; replaces isoleucine 1830 with leucine.
Molecular consequence: missense variant.
Genome position (GRCh38, 1-based): chr9:132,300,690, T>G on the plus strand (A>C on the coding strand, the complement: SETX is on the minus strand). VCF-style: chr9-132300690-T-G. GRCh37 (hg19) VCF-style: chr9-135176077-T-G.
Other names: c.5488A>C, p.Ile1830Leu (NM_001351527.2, NM_001351528.2); short protein forms I1830L.
Identifiers: ClinVar variation 2923883 (VCV002923883.3), dbSNP rs759555006, ClinGen allele CA375347930.